The following is an entry in ClinVar:

NM_000179.3(MSH6):c.722G>A (p.Ser241Asn)

Gene: MSH6 (mutS homolog 6; plus strand). Cytogenetic location: 2p16.3.
Variant type: single nucleotide variant.
Coding change: c.722G>A on transcript NM_000179.3 (MANE Select); coding-DNA position 722, G replaced by A.
Protein change: p.Ser241Asn; replaces serine 241 with asparagine.
Molecular consequence: missense variant. On other transcripts: 5 prime UTR variant (2).
Genome position (GRCh38, 1-based): chr2:47,798,705, G>A. VCF-style: chr2-47798705-G-A. GRCh37 (hg19) VCF-style: chr2-48025844-G-A.
Other names: c.332G>A, p.Ser111Asn (NM_001281492.2); c.-185G>A (NM_001281493.2, NM_001281494.2); short protein forms S241N, S111N.
Identifiers: ClinVar variation 410448 (VCV000410448.15), dbSNP rs1060502906, ClinGen allele CA16611109.
Genomic context (GRCh38, chr2:47,798,705, plus strand): 5'-AAGATAATGAAATTGAGAGTGAAGAGGAAGTACAGCCTAAGACACAAGGATCTAGGCGAA[G>A]TAGCCGCCAAATAAAAAAACGAAGGGTCATATCAGATTCTGAGAGTGACATTGGTGGCTC-3'
Protein context (NP_000170.1, residues 231-251): VQPKTQGSRR[Ser241Asn]SRQIKKRRVI

ClinVar aggregate classification (germline): Uncertain significance. Review status: criteria provided, multiple submitters, no conflicts (2 of 4 stars). 3 submissions from 3 submitters: Uncertain significance (3). Last evaluated 2025-01-23.

Conditions:
Lynch syndrome. Identifiers: Orphanet 144, MedGen C4552100, MONDO:0005835. Disease mechanism: loss of function.
Hereditary cancer-predisposing syndrome. Also called: Tumor predisposition; Hereditary Cancer Syndrome; Hereditary neoplastic syndrome; Neoplastic Syndromes, Hereditary. Identifiers: Orphanet 140162, MedGen C0027672, MeSH D009386, MONDO:0015356.
Hereditary nonpolyposis colorectal neoplasms. Identifiers: MedGen C0009405, MeSH D003123.

Allele frequency attached by ClinVar (database versions not stated): gnomAD exomes below 0.00001.

Submissions (3):

Labcorp Genetics (formerly Invitae), Labcorp
Classification: Uncertain significance for Hereditary nonpolyposis colorectal neoplasms. Last evaluated: 2025-01-23. Review status: criteria provided, single submitter. Criteria: Invitae Variant Classification Sherloc (09022015). Collection method: clinical testing. Allele origin: germline.
Comment: This sequence change replaces serine, which is neutral and polar, with asparagine, which is neutral and polar, at codon 241 of the MSH6 protein (p.Ser241Asn). This variant is not present in population databases (gnomAD no frequency). This variant has not been reported in the literature in individuals affected with MSH6-related conditions. ClinVar contains an entry for this variant (Variation ID: 410448). Invitae Evidence Modeling of protein sequence and biophysical properties (such as structural, functional, and spatial information, amino acid conservation, physicochemical variation, residue mobility, and thermodynamic stability) indicates that this missense variant is not expected to disrupt MSH6 protein function with a negative predictive value of 95%. In summary, the available evidence is currently insufficient to determine the role of this variant in disease. Therefore, it has been classified as a Variant of Uncertain Significance.

All of Us Research Program, National Institutes of Health
Classification: Uncertain significance for Lynch syndrome. Last evaluated: 2024-02-22. Review status: criteria provided, single submitter. Criteria: ACMG Guidelines, 2015. Collection method: clinical testing. Allele origin: germline. Inheritance: Autosomal dominant inheritance. Observed: 1 variant allele, 1 heterozygote.
Comment: This missense variant replaces serine with asparagine at codon 241 of the MSH6 protein. Computational prediction suggests that this variant may not impact protein structure and function (internally defined REVEL score threshold <= 0.5, PMID: 27666373). To our knowledge, functional studies have not been reported for this variant. This variant has not been reported in individuals affected with MSH6-related disorders in the literature. This variant has not been identified in the general population by the Genome Aggregation Database (gnomAD). The available evidence is insufficient to determine the role of this variant in disease conclusively. Therefore, this variant is classified as a Variant of Uncertain Significance.

This study involves interpretation of variants in research participants for the purpose of population health screening. Participant phenotype was not available at the time of variant classification. Additional details can be found in publication PMID: 35346344, PMCID: PMC8962531

Ambry Genetics
Classification: Uncertain significance for Hereditary cancer-predisposing syndrome. Last evaluated: 2023-09-06. Review status: criteria provided, single submitter. Criteria: Ambry Variant Classification Scheme 2023. Collection method: clinical testing. Allele origin: germline.
Comment: The p.S241N variant (also known as c.722G>A), located in coding exon 4 of the MSH6 gene, results from a G to A substitution at nucleotide position 722. The serine at codon 241 is replaced by asparagine, an amino acid with highly similar properties. This amino acid position is not well conserved in available vertebrate species. In addition, this alteration is predicted to be tolerated by in silico analysis. Since supporting evidence is limited at this time, the clinical significance of this alteration remains unclear.